The following is an entry in ClinVar:

NM_022455.5(NSD1):c.4209A>C (p.Lys1403Asn)

Gene: NSD1 (nuclear receptor binding SET domain protein 1; plus strand). Cytogenetic location: 5q35.3.
Variant type: single nucleotide variant.
Coding change: c.4209A>C on transcript NM_022455.5 (MANE Select); coding-DNA position 4209, A replaced by C.
Protein change: p.Lys1403Asn; replaces lysine 1403 with asparagine.
Molecular consequence: missense variant.
Genome position (GRCh38, 1-based): chr5:177,239,772, A>C. VCF-style: chr5-177239772-A-C. GRCh37 (hg19) VCF-style: chr5-176666773-A-C.
Other names: c.3336A>C, p.Lys1112Asn (NM_001365684.2, NM_001409306.1, NM_001409307.1 and 3 more transcripts); c.4209A>C, p.Lys1403Asn (NM_001409301.1, NM_001409302.1, NM_001409303.1); c.3789A>C, p.Lys1263Asn (NM_001409304.1); c.3456A>C, p.Lys1152Asn (NM_001409305.1); short protein forms K1112N, K1152N, K1263N, K1403N.
Identifiers: ClinVar variation 3378346 (VCV003378346.1).

ClinVar aggregate classification (germline): Uncertain significance (1 of 4 stars; one submission).

Submission:

GeneDx
Classification: Uncertain significance. Last evaluated: 2024-05-14. Review status: criteria provided, single submitter. Criteria: GeneDx Variant Classification Process June 2021. Collection method: clinical testing. Allele origin: germline. Affected: yes.
Comment: Not observed at significant frequency in large population cohorts (gnomAD); In silico analysis supports that this missense variant has a deleterious effect on protein structure/function; Has not been previously published as pathogenic or benign to our knowledge